The following is an entry in ClinVar:

ClinVar aggregate classification (germline): Uncertain significance (1 of 4 stars; one submission).

Allele frequency attached by ClinVar (database versions not stated): TOPMed below 0.00001; ExAC 0.00001.
gnomAD v4.1: 17 of 1,614,106 alleles (0.0011%); highest among the groups gnomAD compares: South Asian, 0.0044%; no homozygotes.

Submission:

Labcorp Genetics (formerly Invitae), Labcorp
Classification: Uncertain significance. Last evaluated: 2025-01-06. Review status: criteria provided, single submitter. Criteria: Invitae Variant Classification Sherloc (09022015). Collection method: clinical testing. Allele origin: germline.
Comment: This sequence change replaces valine, which is neutral and non-polar, with methionine, which is neutral and non-polar, at codon 209 of the PGAP3 protein (p.Val209Met). This variant is present in population databases (rs764990263, gnomAD 0.0009%). This variant has not been reported in the literature in individuals affected with PGAP3-related conditions. ClinVar contains an entry for this variant (Variation ID: 1925686). Invitae Evidence Modeling of protein sequence and biophysical properties (such as structural, functional, and spatial information, amino acid conservation, physicochemical variation, residue mobility, and thermodynamic stability) indicates that this missense variant is not expected to disrupt PGAP3 protein function with a negative predictive value of 95%. In summary, the available evidence is currently insufficient to determine the role of this variant in disease. Therefore, it has been classified as a Variant of Uncertain Significance.

NM_033419.5(PGAP3):c.625G>A (p.Val209Met)

Gene: PGAP3 (post-GPI attachment to proteins phospholipase 3; minus strand). Cytogenetic location: 17q12.
Variant type: single nucleotide variant.
Coding change: c.625G>A on transcript NM_033419.5 (MANE Select); coding-DNA position 625, G replaced by A.
Protein change: p.Val209Met; replaces valine 209 with methionine.
Molecular consequence: missense variant. On other transcripts: intron variant (3).
Genome position (GRCh38, 1-based): chr17:39,673,583, C>T on the plus strand (G>A on the coding strand, the complement: PGAP3 is on the minus strand). VCF-style: chr17-39673583-C-T. GRCh37 (hg19) VCF-style: chr17-37829836-C-T.
Other names: c.472G>A, p.Val158Met (NM_001291726.2); c.562G>A, p.Val188Met (NM_001291728.2); c.433-717G>A (NM_001291733.2); c.494+410G>A (NM_001291732.2); c.557+410G>A (NM_001291730.2); short protein forms V188M, V158M, V209M.
Identifiers: ClinVar variation 1925686 (VCV001925686.3), dbSNP rs764990263, ClinGen allele CA8533289.